The following is an entry in ClinVar:

NM_000312.4(PROC):c.1046A>G (p.Glu349Gly)

Gene: PROC (protein C, inactivator of coagulation factors Va and VIIIa; plus strand). Cytogenetic location: 2q14.3.
Variant type: single nucleotide variant.
Coding change: c.1046A>G on transcript NM_000312.4 (MANE Select); coding-DNA position 1046, A replaced by G.
Protein change: p.Glu349Gly; replaces glutamic acid 349 with glycine.
Molecular consequence: missense variant.
Genome position (GRCh38, 1-based): chr2:127,428,606, A>G. VCF-style: chr2-127428606-A-G. GRCh37 (hg19) VCF-style: chr2-128186182-A-G.
Other names: c.1229A>G, p.Glu410Gly (NM_001375602.1); c.1211A>G, p.Glu404Gly (NM_001375603.1); c.1109A>G, p.Glu370Gly (NM_001375604.1); c.1148A>G, p.Glu383Gly (NM_001375605.1); c.1214A>G, p.Glu405Gly (NM_001375606.1); c.1232A>G, p.Glu411Gly (NM_001375607.1); c.989A>G, p.Glu330Gly (NM_001375608.1); c.1022A>G, p.Glu341Gly (NM_001375609.1); and 2 more; short protein forms E330G, E341G, E347G, E349G, E370G, E383G, E404G, E405G.
Identifiers: ClinVar variation 4848309 (VCV004848309.1).

ClinVar aggregate classification (germline): Uncertain significance (1 of 4 stars; one submission).

gnomAD v4.1: 6 of 1,613,934 alleles (0.00037%); highest among the groups gnomAD compares: Non-Finnish European, 0.00051%; no homozygotes.

Submission:

Women's Health and Genetics/Laboratory Corporation of America, LabCorp
Classification: Uncertain significance. Last evaluated: 2026-02-17. Review status: criteria provided, single submitter. Criteria: LabCorp Variant Classification Summary - May 2015. Collection method: clinical testing. Allele origin: germline.
Comment: Variant summary: PROC c.1046A>G (p.Glu349Gly) results in a non-conservative amino acid change in the encoded protein sequence. Algorithms developed to predict the effect of missense changes on protein structure and function are either unavailable or do not agree on the potential impact of this missense change. The variant was absent in 251328 control chromosomes. The available data on variant occurrences in the general population are insufficient to allow any conclusion about variant significance. c.1046A>G has been observed in at least one individual affected with Thrombophilia Due To Protein C Deficiency, Autosomal Dominant (example: Miyata_1998). This report does not provide unequivocal conclusions about association of the variant with Thrombophilia Due To Protein C Deficiency, Autosomal Dominant. To our knowledge, no experimental evidence demonstrating an impact on protein function has been reported. The following publication has been ascertained in the context of this evaluation (PMID: 9840027). No submitters have cited clinical-significance assessments for this variant to ClinVar. Based on the evidence outlined above, the variant was classified as uncertain significance.

Literature cited by the submitters: PubMed 9840027.